The following is an entry in ClinVar:

NM_004369.4(COL6A3):c.8140G>T (p.Ala2714Ser)

Gene: COL6A3 (collagen type VI alpha 3 chain; minus strand). Cytogenetic location: 2q37.3.
Variant type: single nucleotide variant.
Coding change: c.8140G>T on transcript NM_004369.4 (MANE Select); coding-DNA position 8140, G replaced by T.
Protein change: p.Ala2714Ser; replaces alanine 2714 with serine.
Molecular consequence: missense variant.
Genome position (GRCh38, 1-based): chr2:237,340,776, C>A on the plus strand (G>T on the coding strand, the complement: COL6A3 is on the minus strand). VCF-style: chr2-237340776-C-A. GRCh37 (hg19) VCF-style: chr2-238249419-C-A.
Other names: c.6319G>T, p.Ala2107Ser (NM_057166.5); c.7522G>T, p.Ala2508Ser (NM_057167.4); short protein forms A2714S, A2107S, A2508S.
Identifiers: ClinVar variation 288660 (VCV000288660.13), dbSNP rs748491825, ClinGen allele CA2187623.

ClinVar aggregate classification (germline): Conflicting classifications of pathogenicity. Review status: criteria provided, conflicting classifications (1 of 4 stars). 4 submissions from 4 submitters: Uncertain significance (3); Likely benign (1). Last evaluated 2026-04-01.

Conditions:
Bethlem myopathy 1A. Also called: Bethlem myopathy 1; Bethlem Muscular Dystrophy; MYOPATHY, BENIGN CONGENITAL, WITH CONTRACTURES. Identifiers: Orphanet 610, MedGen CN029274, MONDO:0024530, OMIM 158810.

Allele frequency attached by ClinVar (database versions not stated): gnomAD exomes 0.00001 and 0.00003; ExAC 0.00002; TOPMed 0.00002; gnomAD 0.00006.
gnomAD v4.1: 21 of 1,614,048 alleles (0.0013%); highest among the groups gnomAD compares: Non-Finnish European, 0.0017%; no homozygotes.

Submissions (4):

CeGaT Center for Human Genetics Tuebingen
Classification: Uncertain significance. Last evaluated: 2026-04-01. Review status: criteria provided, single submitter. Criteria: CeGaT Center For Human Genetics Tuebingen Variant Classification Criteria Version 2. Collection method: clinical testing. Allele origin: germline. Affected: yes. Observed: 1 variant allele.
Comment: COL6A3: PM2

Labcorp Genetics (formerly Invitae), Labcorp
Classification: Likely benign for Bethlem myopathy 1A. Last evaluated: 2024-04-01. Review status: criteria provided, single submitter. Criteria: Invitae Variant Classification Sherloc (09022015). Collection method: clinical testing. Allele origin: germline.

Revvity Omics, Revvity
Classification: Uncertain significance. Last evaluated: 2022-10-14. Review status: criteria provided, single submitter. Criteria: ACMG Guidelines, 2015. Collection method: clinical testing. Allele origin: germline.

Eurofins Ntd Llc (ga)
Classification: Uncertain significance. Last evaluated: 2016-06-08. Review status: criteria provided, single submitter. Criteria: EGL Classification Definitions 2015. Collection method: clinical testing. Allele origin: germline. Observed: 1 variant allele, 1 heterozygote.